The following is an entry in ClinVar:

NM_001287.6(CLCN7):c.182G>T (p.Ser61Ile)

Gene: CLCN7 (chloride voltage-gated channel 7; minus strand). Cytogenetic location: 16p13.3.
Variant type: single nucleotide variant.
Coding change: c.182G>T on transcript NM_001287.6 (MANE Select); coding-DNA position 182, G replaced by T.
Protein change: p.Ser61Ile; replaces serine 61 with isoleucine.
Molecular consequence: missense variant. On other transcripts: intron variant (1).
Genome position (GRCh38, 1-based): chr16:1,465,298, C>A on the plus strand (G>T on the coding strand, the complement: CLCN7 is on the minus strand). VCF-style: chr16-1465298-C-A. GRCh37 (hg19) VCF-style: chr16-1515299-C-A.
Other names: c.142-3624G>T (NM_001114331.3); short protein forms S61I.
Identifiers: ClinVar variation 3613991 (VCV003613991.2).
Genomic context (GRCh38, chr16:1,465,298, plus strand): 5'-CGGGAGGACGGGGAACACCCCCAACTCACCGGGTCCAAAAGTTCATCATCCAGCTCCACG[C>A]TGCTCATATGTCCGACTCGGAAAAGCGCAGAACGTGGTGACTAAAAGCAGAAGAGAAATC-3'
Protein context (NP_001278.1, residues 51-71): SALFRVGHMS[Ser61Ile]VELDDELLDP

ClinVar aggregate classification (germline): Uncertain significance (1 of 4 stars; one submission).

Submission:

Labcorp Genetics (formerly Invitae), Labcorp
Classification: Uncertain significance. Last evaluated: 2024-09-09. Review status: criteria provided, single submitter. Criteria: Invitae Variant Classification Sherloc (09022015). Collection method: clinical testing. Allele origin: germline.
Comment: This sequence change replaces serine, which is neutral and polar, with isoleucine, which is neutral and non-polar, at codon 61 of the CLCN7 protein (p.Ser61Ile). This variant is not present in population databases (gnomAD no frequency). This variant has not been reported in the literature in individuals affected with CLCN7-related conditions. Invitae Evidence Modeling of protein sequence and biophysical properties (such as structural, functional, and spatial information, amino acid conservation, physicochemical variation, residue mobility, and thermodynamic stability) indicates that this missense variant is not expected to disrupt CLCN7 protein function with a negative predictive value of 95%. In summary, the available evidence is currently insufficient to determine the role of this variant in disease. Therefore, it has been classified as a Variant of Uncertain Significance.